The following is an entry in ClinVar:

NM_025243.4(SLC19A3):c.*1839G>A

Gene: SLC19A3 (solute carrier family 19 member 3; minus strand). Cytogenetic location: 2q36.3.
Variant type: single nucleotide variant.
Coding change: c.*1839G>A on transcript NM_025243.4 (MANE Select); 1839 bases downstream of the stop codon, G replaced by A.
Molecular consequence: 3 prime UTR variant.
Genome position (GRCh38, 1-based): chr2:227,685,558, C>T on the plus strand (G>A on the coding strand, the complement: SLC19A3 is on the minus strand). VCF-style: chr2-227685558-C-T. GRCh37 (hg19) VCF-style: chr2-228550274-C-T.
Identifiers: ClinVar variation 334842 (VCV000334842.6), dbSNP rs74372767, ClinGen allele CA10614721.

ClinVar aggregate classification (germline): Benign. Review status: criteria provided, multiple submitters, no conflicts (2 of 4 stars). 2 submissions from 2 submitters: Benign (2). Last evaluated 2018-01-13.

Conditions:
Biotin-responsive basal ganglia disease (BTBGD). Also called: Thiamine Transporter-2 Deficiency; THIAMINE METABOLISM DYSFUNCTION SYNDROME 2 (BIOTIN- AND THIAMINE-RESPONSIVE TYPE); Thiamine metabolism dysfunction syndrome type 2; Thiamine metabolism dysfunction syndrome 2 (biotin- or thiamine-responsive encephalopathy type 2); thiamine-responsive encephalopathy. Identifiers: Orphanet 199348, Orphanet 65284, MedGen C1843807, MONDO:0011841, OMIM 607483.

Allele frequency attached by ClinVar (database versions not stated): gnomAD exomes 0.04545; gnomAD 0.07452 and 0.07948; TOPMed 0.08324; 1000 Genomes Project 0.08446; 1000 Genomes Project 30x 0.09525.

Submissions (2):

Illumina Laboratory Services, Illumina
Classification: Benign for Biotin-responsive basal ganglia disease. Last evaluated: 2018-01-13. Review status: criteria provided, single submitter. Criteria: ICSL Variant Classification Criteria 13 December 2019. Collection method: clinical testing. Allele origin: germline.
Comment: This variant was observed in the ICSL laboratory as part of a predisposition screen in an ostensibly healthy population. It had not been previously curated by ICSL or reported in the Human Gene Mutation Database (HGMD: prior to June 1st, 2018), and was therefore a candidate for classification through an automated scoring system. Utilizing variant allele frequency, disease prevalence and penetrance estimates, and inheritance mode, an automated score was calculated to assess if this variant is too frequent to cause the disease. Based on the score and internal cut-off values, a variant classified as benign is not then subjected to further curation. The score for this variant resulted in a classification of benign for this disease.

Breakthrough Genomics
Classification: Benign. Review status: criteria provided, single submitter. Criteria: ACMG Guidelines, 2015. Collection method: not provided. Allele origin: germline. Inheritance: Autosomal recessive inheritance. Affected: yes.